The following is an entry in ClinVar:

NM_020937.4(FANCM):c.310T>G (p.Phe104Val)

Gene: FANCM (FA complementation group M; plus strand). Cytogenetic location: 14q21.2.
Variant type: single nucleotide variant.
Coding change: c.310T>G on transcript NM_020937.4 (MANE Select); coding-DNA position 310, T replaced by G.
Protein change: p.Phe104Val; replaces phenylalanine 104 with valine.
Molecular consequence: missense variant.
Genome position (GRCh38, 1-based): chr14:45,136,341, T>G. VCF-style: chr14-45136341-T-G. GRCh37 (hg19) VCF-style: chr14-45605544-T-G.
Other names: c.310T>G, p.Phe104Val (NM_001308133.2, NM_001308134.2); short protein forms F104V.
Identifiers: ClinVar variation 3848606 (VCV003848606.1).
Genomic context (GRCh38, chr14:45,136,341, plus strand): 5'-ATTTACCCTACCAATTGCCCAGTGCGGGACTACCAGCTGCACATTTCCCGGGCTGCTCTG[T>G]TTTGCAATACGCTGGTGTGTCTGCCTACCGGACTGGGAAAGACCTTTATTGCCGCCGTGG-3'
Protein context (NP_065988.1, residues 94-114): YQLHISRAAL[Phe104Val]CNTLVCLPTG

ClinVar aggregate classification (germline): Uncertain significance (1 of 4 stars; one submission).

Conditions:
Inborn genetic diseases. Identifiers: MedGen C0950123, MeSH D030342.

gnomAD v4.1: 1 of 1,614,132 alleles (0.000062%); highest among the groups gnomAD compares: Admixed American, 0.0017%; no homozygotes.

Submission:

Ambry Genetics
Classification: Uncertain significance for Inborn genetic diseases. Last evaluated: 2025-01-11. Review status: criteria provided, single submitter. Criteria: Ambry Variant Classification Scheme 2023. Collection method: clinical testing. Allele origin: germline.
Comment: The p.F104V variant (also known as c.310T>G), located in coding exon 1 of the FANCM gene, results from a T to G substitution at nucleotide position 310. The phenylalanine at codon 104 is replaced by valine, an amino acid with highly similar properties. This amino acid position is conserved. In addition, the in silico prediction for this alteration is inconclusive. Based on the available evidence, the clinical significance of this variant remains unclear.